The following is an entry in ClinVar:

ClinVar aggregate classification (germline): Pathogenic. Review status: criteria provided, multiple submitters, no conflicts (2 of 4 stars). 2 submissions from 2 submitters: Pathogenic (2). Last evaluated 2026-02-02.

Conditions:
Cardiovascular phenotype. Identifiers: MedGen CN230736.
Hereditary cancer-predisposing syndrome. Also called: Hereditary Cancer Syndrome; Hereditary neoplastic syndrome; Neoplastic Syndromes, Hereditary; Tumor predisposition. Identifiers: Orphanet 140162, MedGen C0027672, MeSH D009386, MONDO:0015356.

Allele frequency attached by ClinVar (database versions not stated): TOPMed below 0.00001.

Submissions (2):

Labcorp Genetics (formerly Invitae), Labcorp
Classification: Pathogenic. Last evaluated: 2026-02-02. Review status: criteria provided, single submitter. Criteria: Invitae Variant Classification Sherloc (09022015). Collection method: clinical testing. Allele origin: germline.
Comment: This sequence change creates a premature translational stop signal (p.Trp469*) in the LZTR1 gene. It is expected to result in an absent or disrupted protein product. Loss-of-function variants in LZTR1 are known to be pathogenic (PMID: 24362817, 25335493, 25480913, 25795793, 29469822, 30368668, 30442762, 30442766, 30481304, 30859559). This variant is not present in population databases (gnomAD no frequency). This premature translational stop signal has been observed in individual(s) with Noonan syndrome (PMID: 30859559). ClinVar contains an entry for this variant (Variation ID: 1771907). For these reasons, this variant has been classified as Pathogenic.

Ambry Genetics
Classification: Pathogenic for Cardiovascular phenotype; Hereditary cancer-predisposing syndrome. Last evaluated: 2025-03-29. Review status: criteria provided, single submitter. Criteria: Ambry Variant Classification Scheme 2023. Collection method: clinical testing. Allele origin: germline.
Comment: The p.W469* pathogenic mutation (also known as c.1406G>A), located in coding exon 13 of the LZTR1 gene, results from a G to A substitution at nucleotide position 1406. This changes the amino acid from a tryptophan to a stop codon within coding exon 13. This alteration is expected to result in loss of function by premature protein truncation or nonsense-mediated mRNA decay. This variant is considered to be rare based on population cohorts in the Genome Aggregation Database (gnomAD). Loss-of-function variants in LZTR1 are related to an increased risk for schwannomas and autosomal recessive Noonan syndrome; however, such associations with autosomal dominant Noonan syndrome have not been observed (Piotrowski A et al. Nat Genet. 2014 Feb;46:182-7; Yamamoto GL et al. J Med Genet. 2015 Jun;52:413-21; Johnston JJ et al. Genet Med. 2018 10;20:1175-1185). Based on the supporting evidence, this variant is pathogenic for an increased risk of LZTR1-related schwannomatosis (SWN) and would be expected to cause autosomal recessive Noonan syndrome when present along with a second pathogenic or likely pathogenic variant on the other allele; however, the association of this alteration with autosomal dominant Noonan syndrome is unlikely.

Literature cited by the submitters: PubMed 24362817 (cited by Labcorp Genetics (formerly Invitae), Labcorp); PubMed 25335493 (cited by Labcorp Genetics (formerly Invitae), Labcorp); PubMed 25480913 (cited by Labcorp Genetics (formerly Invitae), Labcorp); PubMed 25795793 (cited by Labcorp Genetics (formerly Invitae), Labcorp); PubMed 29469822 (cited by Labcorp Genetics (formerly Invitae), Labcorp); PubMed 30368668 (cited by Labcorp Genetics (formerly Invitae), Labcorp); PubMed 30442762 (cited by Labcorp Genetics (formerly Invitae), Labcorp); PubMed 30442766 (cited by Labcorp Genetics (formerly Invitae), Labcorp); PubMed 30481304 (cited by Labcorp Genetics (formerly Invitae), Labcorp); PubMed 30859559 (cited by Labcorp Genetics (formerly Invitae), Labcorp).

NM_006767.4(LZTR1):c.1406G>A (p.Trp469Ter)

Gene: LZTR1 (leucine zipper like post translational regulator 1; plus strand). Cytogenetic location: 22q11.21.
Variant type: single nucleotide variant.
Coding change: c.1406G>A on transcript NM_006767.4 (MANE Select); coding-DNA position 1406, G replaced by A.
Protein change: p.Trp469Ter; replaces tryptophan 469 with a stop codon.
Molecular consequence: nonsense.
Genome position (GRCh38, 1-based): chr22:20,993,976, G>A. VCF-style: chr22-20993976-G-A. GRCh37 (hg19) VCF-style: chr22-21348265-G-A.
Other names: short protein forms W469*.
Identifiers: ClinVar variation 1771907 (VCV001771907.5), dbSNP rs1924706492, ClinGen allele CA410775195.